The following is an entry in ClinVar:

NM_003701.4(TNFSF11):c.154C>G (p.Leu52Val)

Genes: TNFSF11 (TNF superfamily member 11; plus strand), LOC130009662 (ATAC-STARR-seq lymphoblastoid silent region 5301; plus strand). Cytogenetic location: 13q14.11.
Variant type: single nucleotide variant.
Coding change: c.154C>G on transcript NM_003701.4 (MANE Select); coding-DNA position 154, C replaced by G.
Protein change: p.Leu52Val; replaces leucine 52 with valine.
Molecular consequence: missense variant. On other transcripts: intron variant (1).
Genome position (GRCh38, 1-based): chr13:42,574,457, C>G. VCF-style: chr13-42574457-C-G. GRCh37 (hg19) VCF-style: chr13-43148593-C-G.
Other names: c.-1+2719C>G (NM_033012.4); short protein forms L52V.
Identifiers: ClinVar variation 1397727 (VCV001397727.8), dbSNP rs889679429, ClinGen allele CA249049734.

ClinVar aggregate classification (germline): Uncertain significance (1 of 4 stars; one submission).

Allele frequency attached by ClinVar (database versions not stated): gnomAD 0.00001; gnomAD exomes 0.00001.
gnomAD v4.1: 43 of 1,608,624 alleles (0.0027%); highest among the groups gnomAD compares: Non-Finnish European, 0.0035%; no homozygotes.

Submission:

Labcorp Genetics (formerly Invitae), Labcorp
Classification: Uncertain significance. Last evaluated: 2021-01-13. Review status: criteria provided, single submitter. Criteria: Invitae Variant Classification Sherloc (09022015). Collection method: clinical testing. Allele origin: germline.
Comment: In summary, the available evidence is currently insufficient to determine the role of this variant in disease. Therefore, it has been classified as a Variant of Uncertain Significance. Algorithms developed to predict the effect of missense changes on protein structure and function are either unavailable or do not agree on the potential impact of this missense change (SIFT: "Deleterious"; PolyPhen-2: "Benign"; Align-GVGD: "Class C0"). This variant has not been reported in the literature in individuals with TNFSF11-related conditions. This variant is not present in population databases (ExAC no frequency). This sequence change replaces leucine with valine at codon 52 of the TNFSF11 protein (p.Leu52Val). The leucine residue is moderately conserved and there is a small physicochemical difference between leucine and valine.